The following is an entry in ClinVar:

NM_032601.4(MCEE):c.400G>A (p.Val134Met)

Gene: MCEE (methylmalonyl-CoA epimerase; minus strand). Cytogenetic location: 2p13.3.
Variant type: single nucleotide variant.
Coding change: c.400G>A on transcript NM_032601.4 (MANE Select); coding-DNA position 400, G replaced by A.
Protein change: p.Val134Met; replaces valine 134 with methionine.
Molecular consequence: missense variant.
Genome position (GRCh38, 1-based): chr2:71,110,101, C>T on the plus strand (G>A on the coding strand, the complement: MCEE is on the minus strand). VCF-style: chr2-71110101-C-T. GRCh37 (hg19) VCF-style: chr2-71337231-C-T.
Other names: short protein forms V134M.
Identifiers: ClinVar variation 2101892 (VCV002101892.4), dbSNP rs1672857666, ClinGen allele CA347180832.

ClinVar aggregate classification (germline): Uncertain significance (1 of 4 stars; one submission).

Conditions:
Methylmalonic acidemia due to methylmalonyl-CoA epimerase deficiency. Also called: Methylmalonyl-CoA Epimerase Deficiency; METHYLMALONYL-CoA RACEMASE DEFICIENCY; METHYLMALONIC ACIDURIA III. Identifiers: Orphanet 308425, MedGen C1855100, MONDO:0009615, OMIM 251120.

Submission:

Labcorp Genetics (formerly Invitae), Labcorp
Classification: Uncertain significance for Methylmalonic acidemia due to methylmalonyl-CoA epimerase deficiency. Last evaluated: 2024-08-14. Review status: criteria provided, single submitter. Criteria: Invitae Variant Classification Sherloc (09022015). Collection method: clinical testing. Allele origin: germline.
Comment: This sequence change replaces valine, which is neutral and non-polar, with methionine, which is neutral and non-polar, at codon 134 of the MCEE protein (p.Val134Met). This variant is not present in population databases (gnomAD no frequency). This variant has not been reported in the literature in individuals affected with MCEE-related conditions. ClinVar contains an entry for this variant (Variation ID: 2101892). An algorithm developed to predict the effect of missense changes on protein structure and function outputs the following: PolyPhen-2: "Benign". The methionine amino acid residue is found in multiple mammalian species, which suggests that this missense change does not adversely affect protein function. In summary, the available evidence is currently insufficient to determine the role of this variant in disease. Therefore, it has been classified as a Variant of Uncertain Significance.